The following is an entry in ClinVar:

ClinVar aggregate classification (germline): Uncertain significance. Review status: criteria provided, multiple submitters, no conflicts (2 of 4 stars). 2 submissions from 2 submitters: Uncertain significance (2). Last evaluated 2026-07-22.

Conditions:
EGFR-related lung cancer (EGFR). Identifiers: MedGen CN130014.
Hereditary cancer-predisposing syndrome. Also called: Tumor predisposition; Hereditary neoplastic syndrome; Hereditary Cancer Syndrome; Neoplastic Syndromes, Hereditary. Identifiers: Orphanet 140162, MedGen C0027672, MeSH D009386, MONDO:0015356.

Submissions (2):

Ambry Genetics
Classification: Uncertain significance for Hereditary cancer-predisposing syndrome. Last evaluated: 2026-07-22. Review status: criteria provided, single submitter. Criteria: Ambry Variant Classification Scheme 2023. Collection method: clinical testing. Allele origin: germline.
Comment: The p.R681K variant (also known as c.2042G>A), located in coding exon 17 of the EGFR gene, results from a G to A substitution at nucleotide position 2042. The arginine at codon 681 is replaced by lysine, an amino acid with highly similar properties. This amino acid position is conserved. In addition, the in silico prediction for this alteration is inconclusive. Based on the available evidence, the clinical significance of this variant remains unclear.

Labcorp Genetics (formerly Invitae), Labcorp
Classification: Uncertain significance for EGFR-related lung cancer. Last evaluated: 2025-01-19. Review status: criteria provided, single submitter. Criteria: Invitae Variant Classification Sherloc (09022015). Collection method: clinical testing. Allele origin: germline.
Comment: This sequence change replaces arginine, which is basic and polar, with lysine, which is basic and polar, at codon 681 of the EGFR protein (p.Arg681Lys). This variant is not present in population databases (gnomAD no frequency). This variant has not been reported in the literature in individuals affected with EGFR-related conditions. Invitae Evidence Modeling of protein sequence and biophysical properties (such as structural, functional, and spatial information, amino acid conservation, physicochemical variation, residue mobility, and thermodynamic stability) indicates that this missense variant is not expected to disrupt EGFR protein function with a negative predictive value of 80%. In summary, the available evidence is currently insufficient to determine the role of this variant in disease. Therefore, it has been classified as a Variant of Uncertain Significance.

NM_005228.5(EGFR):c.2042G>A (p.Arg681Lys)

Gene: EGFR (epidermal growth factor receptor; plus strand). Cytogenetic location: 7p11.2.
Variant type: single nucleotide variant.
Coding change: c.2042G>A on transcript NM_005228.5 (MANE Select); coding-DNA position 2042, G replaced by A.
Protein change: p.Arg681Lys; replaces arginine 681 with lysine.
Molecular consequence: missense variant.
Genome position (GRCh38, 1-based): chr7:55,173,105, G>A. VCF-style: chr7-55173105-G-A. GRCh37 (hg19) VCF-style: chr7-55240798-G-A.
Other names: c.1907G>A, p.Arg636Lys (NM_001346897.2, NM_001346899.2); c.2042G>A, p.Arg681Lys (NM_001346898.2); c.1883G>A, p.Arg628Lys (NM_001346900.2); c.1241G>A, p.Arg414Lys (NM_001346941.2); short protein forms R414K, R681K, R628K, R636K.
Identifiers: ClinVar variation 3668629 (VCV003668629.3).
Genomic context (GRCh38, chr7:55,173,105, plus strand): 5'-CCCTGGGGATCGGCCTCTTCATGCGAAGGCGCCACATCGTTCGGAAGCGCACGCTGCGGA[G>A]GCTGCTGCAGGAGAGGGAGGTGAGTGCCAGTCCTGGGTGGGCTCAGGAGCCCTCGCACCC-3'
Protein context (NP_005219.2, residues 671-691): RHIVRKRTLR[Arg681Lys]LLQERELVEP